The following is an entry in ClinVar:

NM_004655.4(AXIN2):c.1193T>A (p.Ile398Asn)

Gene: AXIN2 (axin 2; minus strand). Cytogenetic location: 17q24.1.
Variant type: single nucleotide variant.
Coding change: c.1193T>A on transcript NM_004655.4 (MANE Select); coding-DNA position 1193, T replaced by A.
Protein change: p.Ile398Asn; replaces isoleucine 398 with asparagine.
Molecular consequence: missense variant.
Genome position (GRCh38, 1-based): chr17:65,538,210, A>T on the plus strand (T>A on the coding strand, the complement: AXIN2 is on the minus strand). VCF-style: chr17-65538210-A-T. GRCh37 (hg19) VCF-style: chr17-63534328-A-T.
Other names: c.1193T>A (LRG_296t1); c.1193T>A, p.Ile398Asn (NM_001363813.1); short protein forms I398N.
Identifiers: ClinVar variation 646009 (VCV000646009.8), dbSNP rs1598100727, ClinGen allele CA400678131.

ClinVar aggregate classification (germline): Uncertain significance (1 of 4 stars; one submission).

Conditions:
Oligodontia-cancer predisposition syndrome. Also called: TOOTH AGENESIS-COLORECTAL CANCER SYNDROME. Identifiers: Orphanet 300576, MedGen C1837750, MONDO:0012075, OMIM 608615. Disease mechanism: loss of function.

Submission:

Labcorp Genetics (formerly Invitae), Labcorp
Classification: Uncertain significance for Oligodontia-cancer predisposition syndrome. Last evaluated: 2018-12-27. Review status: criteria provided, single submitter. Criteria: Invitae Variant Classification Sherloc (09022015). Collection method: clinical testing. Allele origin: germline.
Comment: This variant is not present in population databases (ExAC no frequency). This sequence change replaces isoleucine with asparagine at codon 398 of the AXIN2 protein (p.Ile398Asn). The isoleucine residue is moderately conserved and there is a large physicochemical difference between isoleucine and asparagine. This variant has not been reported in the literature in individuals with AXIN2-related conditions. In summary, the available evidence is currently insufficient to determine the role of this variant in disease. Therefore, it has been classified as a Variant of Uncertain Significance. Algorithms developed to predict the effect of missense changes on protein structure and function are either unavailable or do not agree on the potential impact of this missense change (SIFT: "Deleterious"; PolyPhen-2: "Benign"; Align-GVGD: "Class C0").